The following is an entry in ClinVar:

NM_015873.4(VILL):c.354A>T (p.Gly118=)

Gene: VILL (villin like; plus strand). Cytogenetic location: 3p22.2.
Variant type: single nucleotide variant.
Coding change: c.354A>T on transcript NM_015873.4 (MANE Select); coding-DNA position 354, A replaced by T.
Protein change: p.Gly118=; no amino-acid change (glycine 118 retained).
Molecular consequence: synonymous variant. On other transcripts: 5 prime UTR variant (2), non-coding transcript variant (2).
Genome position (GRCh38, 1-based): chr3:37,995,751, A>T. VCF-style: chr3-37995751-A-T. GRCh37 (hg19) VCF-style: chr3-38037242-A-T.
Other names: c.-157A>T (NM_001370264.1, NM_001370265.1); c.354A>T, p.Gly118= (NM_001385038.1, NM_001385039.1).
Identifiers: ClinVar variation 3025282 (VCV003025282.22), dbSNP rs140065677, ClinGen allele CA2311914.
Genomic context (GRCh38, chr3:37,995,751, plus strand): 5'-TTCTTATATACACAGAATGTATATACCCTCCTGCTATTCCCACCTCAGCTACAGGAAGGG[A>T]GGCCTAGCATCTGACCTCAAGCATGTGGAGACCAACTTGTTCAACATCCAGCGACTGCTG-3'
Protein context (NP_056957.3, residues 108-128): YFRPGIIYRK[Gly118=]GLASDLKHVE

ClinVar aggregate classification (germline): Likely benign (1 of 4 stars; one submission).

Allele frequency attached by ClinVar (database versions not stated): 1000 Genomes Project 30x 0.00016; 1000 Genomes Project 0.00020; ESP Exome Variant Server 0.00023; gnomAD exomes 0.00037; gnomAD 0.00045; ExAC 0.00047; TOPMed 0.00051.
gnomAD v4.1: 620 of 1,613,666 alleles (0.038%); highest among the groups gnomAD compares: Middle Eastern, 0.45%; 2 homozygotes.

Submission:

CeGaT Center for Human Genetics Tuebingen
Classification: Likely benign. Last evaluated: 2024-02-01. Review status: criteria provided, single submitter. Criteria: CeGaT Center For Human Genetics Tuebingen Variant Classification Criteria Version 2. Collection method: clinical testing. Allele origin: germline. Affected: yes. Observed: 1 variant allele.
Comment: VILL: BP4, BP7